The following is an entry in ClinVar:

NM_007294.4(BRCA1):c.*750A>G

Gene: BRCA1 (BRCA1 DNA repair associated; minus strand). Cytogenetic location: 17q21.31.
Variant type: single nucleotide variant.
Coding change: c.*750A>G on transcript NM_007294.4 (MANE Select); 750 bases downstream of the stop codon, A replaced by G.
Molecular consequence: 3 prime UTR variant. On other transcripts: non-coding transcript variant (1).
Genome position (GRCh38, 1-based): chr17:43,044,928, T>C on the plus strand (A>G on the coding strand, the complement: BRCA1 is on the minus strand). VCF-style: chr17-43044928-T-C. GRCh37 (hg19) VCF-style: chr17-41196945-T-C.
Other names: c.*750A>G (NM_001407571.1, NM_001407581.1, NM_001407582.1 and 348 more transcripts); c.*856A>G (NM_001407854.1, NM_001407858.1, NM_001407859.1 and 14 more transcripts).
Identifiers: ClinVar variation 323414 (VCV000323414.40), dbSNP rs138782023, ClinGen allele CA059513.

ClinVar aggregate classification (germline): Benign/Likely benign. Review status: criteria provided, multiple submitters, no conflicts (2 of 4 stars). 4 submissions from 4 submitters: Benign (1); Likely benign (3). Last evaluated 2023-12-01.

Conditions:
Breast-ovarian cancer, familial, susceptibility to, 1 (BROVCA1). Also called: BRCA1 Hereditary Breast and Ovarian Cancer; OVARIAN CANCER, SUSCEPTIBILITY TO. Identifiers: Orphanet 145, MedGen C2676676, MONDO:0011450, OMIM 604370. Disease mechanism: loss of function.

Allele frequency attached by ClinVar (database versions not stated): ExAC 0.00170; 1000 Genomes Project 0.00220; 1000 Genomes Project 30x 0.00328; gnomAD exomes 0.00359 and 0.00422; gnomAD 0.00424 and 0.00430; TOPMed 0.00468.
gnomAD v4.1: 2,019 of 473,330 alleles (0.43%); highest among the groups gnomAD compares: Non-Finnish European, 0.66%; 9 homozygotes.

Submissions (4):

CeGaT Center for Human Genetics Tuebingen
Classification: Likely benign. Last evaluated: 2023-12-01. Review status: criteria provided, single submitter. Criteria: CeGaT Center For Human Genetics Tuebingen Variant Classification Criteria Version 2. Collection method: clinical testing. Allele origin: germline. Affected: yes. Observed: 9 variant alleles.
Comment: BRCA1: BS2

Mendelics
Classification: Likely benign for Breast-ovarian cancer, familial, susceptibility to, 1. Last evaluated: 2019-05-28. Review status: criteria provided, single submitter. Criteria: Mendelics Assertion Criteria 2017. Collection method: clinical testing. Allele origin: unknown.

Genetic Services Laboratory, University of Chicago
Classification: Benign. Last evaluated: 2018-09-07. Review status: criteria provided, single submitter. Criteria: ACMG Guidelines, 2015. Collection method: clinical testing. Allele origin: germline. Affected: no.

Illumina Laboratory Services, Illumina
Classification: Likely benign for Breast-ovarian cancer, familial, susceptibility to, 1. Last evaluated: 2018-03-26. Review status: criteria provided, single submitter. Criteria: ICSL Variant Classification Criteria 13 December 2019. Collection method: clinical testing. Allele origin: germline.
Comment: This variant was observed as part of a predisposition screen in an ostensibly healthy population. A literature search was performed for the gene, cDNA change, and amino acid change (where applicable). Publications were found based on this search. The evidence from the literature, in combination with allele frequency data from public databases where available, was sufficient to determine this variant is unlikely to cause disease. Therefore, this variant is classified as likely benign.

Literature cited by the submitters: PubMed 22753153 (cited by Illumina Laboratory Services, Illumina); PubMed 20848184 (cited by Illumina Laboratory Services, Illumina).